The following is an entry in ClinVar:

ClinVar aggregate classification (germline): Uncertain significance (1 of 4 stars; one submission).

Conditions:
Cardiovascular phenotype. Identifiers: MedGen CN230736.

Submission:

Ambry Genetics
Classification: Uncertain significance for Cardiovascular phenotype. Last evaluated: 2025-12-24. Review status: criteria provided, single submitter. Criteria: Ambry Variant Classification Scheme 2023. Collection method: clinical testing. Allele origin: germline.
Comment: The p.V2456A variant (also known as c.7367T>C), located in coding exon 44 of the FLNC gene, results from a T to C substitution at nucleotide position 7367. The valine at codon 2456 is replaced by alanine, an amino acid with similar properties. This amino acid position is conserved. In addition, this alteration is predicted to be deleterious by in silico analysis. Based on the available evidence, the clinical significance of this variant remains unclear.

NM_001458.5(FLNC):c.7367T>C (p.Val2456Ala)

Genes: FLNC (filamin C; plus strand), FLNC-AS1 (FLNC antisense RNA 1; minus strand). Cytogenetic location: 7q32.1.
Variant type: single nucleotide variant.
Coding change: c.7367T>C on transcript NM_001458.5 (MANE Select); coding-DNA position 7367, T replaced by C.
Protein change: p.Val2456Ala; replaces valine 2456 with alanine.
Molecular consequence: missense variant.
Genome position (GRCh38, 1-based): chr7:128,856,633, T>C. VCF-style: chr7-128856633-T-C. GRCh37 (hg19) VCF-style: chr7-128496687-T-C.
Other names: c.7268T>C, p.Val2423Ala (NM_001127487.2); short protein forms V2423A, V2456A.
Identifiers: ClinVar variation 4842737 (VCV004842737.1).